The following is an entry in ClinVar:

NM_000017.4(ACADS):c.1102G>A (p.Gly368Ser)

Gene: ACADS (acyl-CoA dehydrogenase short chain; plus strand). Cytogenetic location: 12q24.31.
Variant type: single nucleotide variant.
Coding change: c.1102G>A on transcript NM_000017.4 (MANE Select); coding-DNA position 1102, G replaced by A.
Protein change: p.Gly368Ser; replaces glycine 368 with serine.
Molecular consequence: missense variant.
Genome position (GRCh38, 1-based): chr12:120,739,311, G>A. VCF-style: chr12-120739311-G-A. GRCh37 (hg19) VCF-style: chr12-121177114-G-A.
Other names: c.1090G>A, p.Gly364Ser (NM_001302554.2); short protein forms G368S, G364S.
Identifiers: ClinVar variation 529839 (VCV000529839.10), dbSNP rs1433674196, ClinGen allele CA386601786.

ClinVar aggregate classification (germline): Uncertain significance (1 of 4 stars; one submission).

Conditions:
Deficiency of butyryl-CoA dehydrogenase (ACADSD). Also called: SCAD DEFICIENCY, MILD; ACYL-CoA DEHYDROGENASE, SHORT-CHAIN, DEFICIENCY OF; SCADH DEFICIENCY; SCAD Deficiency; ACADS DEFICIENCY; Short-Chain Acyl-CoA Dehydrogenase Deficiency. Identifiers: Orphanet 26792, MedGen C0342783, MONDO:0008722, OMIM 201470. Disease mechanism: May be benign.

Submission:

Labcorp Genetics (formerly Invitae), Labcorp
Classification: Uncertain significance for Deficiency of butyryl-CoA dehydrogenase. Last evaluated: 2025-08-29. Review status: criteria provided, single submitter. Criteria: Invitae Variant Classification Sherloc (09022015). Collection method: clinical testing. Allele origin: germline.
Comment: This sequence change replaces glycine, which is neutral and non-polar, with serine, which is neutral and polar, at codon 368 of the ACADS protein (p.Gly368Ser). This variant is not present in population databases (gnomAD no frequency). This missense change has been observed in individual(s) with a positive newborn screening result for ACADS-related disease (PMID: 22424739; internal data). ClinVar contains an entry for this variant (Variation ID: 529839). Invitae Evidence Modeling of protein sequence and biophysical properties (such as structural, functional, and spatial information, amino acid conservation, physicochemical variation, residue mobility, and thermodynamic stability) indicates that this missense variant is expected to disrupt ACADS protein function with a positive predictive value of 80%. In summary, the available evidence is currently insufficient to determine the role of this variant in disease. Therefore, it has been classified as a Variant of Uncertain Significance.

Literature cited by the submitters: PubMed 22424739.